The following is an entry in ClinVar:

ClinVar aggregate classification (germline): Likely benign (1 of 4 stars; one submission).

Submission:

CeGaT Center for Human Genetics Tuebingen
Classification: Likely benign. Last evaluated: 2022-06-01. Review status: criteria provided, single submitter. Criteria: CeGaT Center For Human Genetics Tuebingen Variant Classification Criteria Version 2. Collection method: clinical testing. Allele origin: germline. Affected: yes. Observed: 1 variant allele.
Comment: ALG9: PM2:Supporting, BP4, BP7

NM_024740.2(ALG9):c.912T>C (p.Tyr304=)

Gene: ALG9 (ALG9 alpha-1,2-mannosyltransferase; minus strand). Cytogenetic location: 11q23.1.
Variant type: single nucleotide variant.
Coding change: c.912T>C on transcript NM_024740.2 (MANE Select); coding-DNA position 912, T replaced by C.
Protein change: p.Tyr304=; no amino-acid change (tyrosine 304 retained).
Molecular consequence: synonymous variant. On other transcripts: non-coding transcript variant (1), intron variant (2).
Genome position (GRCh38, 1-based): chr11:111,844,707, A>G on the plus strand (T>C on the coding strand, the complement: ALG9 is on the minus strand). VCF-style: chr11-111844707-A-G. GRCh37 (hg19) VCF-style: chr11-111715430-A-G.
Other names: c.912T>C, p.Tyr304= (NM_001077690.1, NM_001352417.1); c.399T>C, p.Tyr133= (NM_001077691.2, NM_001077692.2, NM_001352409.1 and 10 more transcripts); c.324T>C, p.Tyr108= (NM_001352422.2); c.896-3898T>C (NM_001352418.1); c.383-3898T>C (NM_001352423.2).
Identifiers: ClinVar variation 2642366 (VCV002642366.24), dbSNP rs2497109756, ClinGen allele CA476782281.